The following is an entry in ClinVar:

ClinVar aggregate classification (germline): Conflicting classifications of pathogenicity. Review status: criteria provided, conflicting classifications (1 of 4 stars). 2 submissions from 2 submitters: Uncertain significance (1); Likely benign (1). Last evaluated 2025-12-20.

Conditions:
Inborn genetic diseases. Identifiers: MedGen C0950123, MeSH D030342.
ATP11A-related disorder. Also called: ATP11A-related condition.

Allele frequency attached by ClinVar (database versions not stated): ESP Exome Variant Server 0.00038.
gnomAD v4.1: 130 of 1,613,728 alleles (0.0081%); highest among the groups gnomAD compares: African/African-American, 0.13%; no homozygotes.

Submissions (2):

PreventionGenetics, part of Exact Sciences
Classification: Likely benign for ATP11A-related condition. Last evaluated: 2025-12-20. Review status: criteria provided, single submitter. Criteria: ACMG Guidelines, 2015. Collection method: clinical testing. Allele origin: germline.
Comment: This variant is classified as likely benign based on ACMG/AMP sequence variant interpretation guidelines (Richards et al. 2015 PMID: 25741868, with internal and published modifications).

Ambry Genetics
Classification: Uncertain significance for Inborn genetic diseases. Last evaluated: 2023-01-23. Review status: criteria provided, single submitter. Criteria: Ambry Variant Classification Scheme 2023. Collection method: clinical testing. Allele origin: germline.

NM_015205.3(ATP11A):c.1499A>T (p.Lys500Ile)

Gene: ATP11A (ATPase phospholipid transporting 11A; plus strand). Cytogenetic location: 13q34.
Variant type: single nucleotide variant.
Coding change: c.1499A>T on transcript NM_015205.3 (MANE Select); coding-DNA position 1499, A replaced by T.
Protein change: p.Lys500Ile; replaces lysine 500 with isoleucine.
Molecular consequence: missense variant.
Genome position (GRCh38, 1-based): chr13:112,832,963, A>T. VCF-style: chr13-112832963-A-T. GRCh37 (hg19) VCF-style: chr13-113487277-A-T.
Other names: c.1499A>T, p.Lys500Ile (NM_001405661.1, NM_001405662.1, NM_001405663.1 and 1 more transcripts); short protein forms K500I.
Identifiers: ClinVar variation 2455835 (VCV002455835.3), dbSNP rs200369525, ClinGen allele CA7056801.